The following is an entry in ClinVar:

ClinVar aggregate classification (germline): Benign/Likely benign. Review status: criteria provided, multiple submitters, no conflicts (2 of 4 stars). 5 submissions from 5 submitters: Benign (2); Likely benign (2). 1 of the submissions does not count toward it. Last evaluated 2026-09-01.

Conditions:
TRRAP-related disorder. Also called: TRRAP-related condition.

Allele frequency attached by ClinVar (database versions not stated): gnomAD exomes 0.00019 and 0.00060; ExAC 0.00076; gnomAD 0.00222 and 0.00240; TOPMed 0.00234; 1000 Genomes Project 0.00300; 1000 Genomes Project 30x 0.00344; ESP Exome Variant Server 0.00392.
gnomAD v4.1: 633 of 1,614,116 alleles (0.039%); highest among the groups gnomAD compares: African/African-American, 0.74%; 5 homozygotes.

Submissions (5):

CeGaT Center for Human Genetics Tuebingen
Classification: Likely benign. Last evaluated: 2026-09-01. Review status: criteria provided, single submitter. Criteria: CeGaT Center For Human Genetics Tuebingen Variant Classification Criteria Version 2. Collection method: clinical testing. Allele origin: germline. Affected: yes. Observed: 5 variant alleles.
Comment: TRRAP: BP4, BP7

Labcorp Genetics (formerly Invitae), Labcorp
Classification: Benign. Last evaluated: 2026-01-23. Review status: criteria provided, single submitter. Criteria: Invitae Variant Classification Sherloc (09022015). Collection method: clinical testing. Allele origin: germline.

Blueprint Genetics
Classification: Likely benign. Last evaluated: 2024-09-16. Review status: criteria provided, single submitter. Criteria: ACMG Guidelines, 2015. Collection method: clinical testing. Allele origin: germline.

Breakthrough Genomics
Classification: Benign. Review status: criteria provided, single submitter. Criteria: ACMG Guidelines, 2015. Collection method: not provided. Allele origin: germline. Inheritance: Autosomal dominant inheritance. Affected: yes.

PreventionGenetics, part of Exact Sciences
Classification: Benign for TRRAP-related condition. Last evaluated: 2019-09-23. Review status: no assertion criteria provided. Collection method: clinical testing. Allele origin: germline. Not counted in ClinVar's aggregate classification.
Comment: This variant is classified as benign based on ACMG/AMP sequence variant interpretation guidelines (Richards et al. 2015 PMID: 25741868, with internal and published modifications).

NM_001375524.1(TRRAP):c.8415T>C (p.Asp2805=)

Gene: TRRAP (transformation/transcription domain associated protein; plus strand). Cytogenetic location: 7q22.1.
Variant type: single nucleotide variant.
Coding change: c.8415T>C on transcript NM_001375524.1 (MANE Select); coding-DNA position 8415, T replaced by C.
Protein change: p.Asp2805=; no amino-acid change (aspartic acid 2805 retained).
Molecular consequence: synonymous variant.
Genome position (GRCh38, 1-based): chr7:98,978,240, T>C. VCF-style: chr7-98978240-T-C. GRCh37 (hg19) VCF-style: chr7-98575863-T-C.
Other names: c.8394T>C, p.Asp2798= (NM_001244580.2); c.8340T>C, p.Asp2780= (NM_003496.4).
Identifiers: ClinVar variation 721022 (VCV000721022.34), dbSNP rs34151047, ClinGen allele CA4361441.